The following is an entry in ClinVar:

NM_000261.2(MYOC):c.1278C>T (p.Val426=)

Gene: MYOC (myocilin; minus strand). Cytogenetic location: 1q24.3.
Variant type: single nucleotide variant.
Coding change: c.1278C>T on transcript NM_000261.2 (MANE Select); coding-DNA position 1278, C replaced by T.
Protein change: p.Val426=; no amino-acid change (valine 426 retained).
Molecular consequence: synonymous variant.
Genome position (GRCh38, 1-based): chr1:171,636,162, G>A on the plus strand (C>T on the coding strand, the complement: MYOC is on the minus strand). VCF-style: chr1-171636162-G-A. GRCh37 (hg19) VCF-style: chr1-171605302-G-A.
Other names: NM_000261.2(MYOC):c.1278C>T; p.Val426=.
Identifiers: ClinVar variation 2500838 (VCV002500838.2), dbSNP rs1183498744, ClinGen allele CA421938719.

ClinVar aggregate classification (germline): Uncertain significance (3 of 4 stars; one submission).

Conditions:
Open-angle glaucoma. Identifiers: MedGen C0017612, MONDO:0005338, HP:0012108.

Allele frequency attached by ClinVar (database versions not stated): TOPMed 0.00001.
gnomAD v4.1: 11 of 1,614,170 alleles (0.00068%); highest among the groups gnomAD compares: South Asian, 0.0044%; no homozygotes.

Submission:

ClinGen Glaucoma Variant Curation Expert Panel
Classification: Uncertain significance for Open-angle glaucoma. Last evaluated: 2026-02-04. Review status: reviewed by expert panel. Criteria: ClinGen Glaucoma ACMG Specifications V2.0.0 Approved. Collection method: curation. Allele origin: germline. Inheritance: Autosomal dominant inheritance.
Comment: The c.1278C>T variant in MYOC is a synonymous variant (p.Val426=). The highest minor allele frequency of this variant was in the Remaining genetic ancestry group of gnomAD (v4.1.0) = 0.00004799 (3 alleles out of 62,512), which met the ≤ 0.0001 threshold set for PM2_Supporting in a genetic ancestry group of at least 10,000 alleles. The SpliceAI score = 0.01, which met the ≤ 0.1 threshold for BP4, suggesting that the variant does not impact MYOC function. This synonymous variant meets BP4, so BP7 is met. There was no functional evidence predicting a damaging or benign impact of this variant on MYOC function. Only 1 segregation had been reported for primary open angle glaucoma (POAG, personal communication from authors of PMID: 23922489), not meeting the ≥ 3 segregations required for PP1. 2 probands with POAG have been reported carrying this variant (PMID: 22736945 and personal communication with authors of PMID: 23922489), which met PS4_Supporting (≥ 2 probands). In summary, this variant met the criteria to receive a score of 0 and to be classified as a variant of uncertain significance (uncertain significance classification range -1 to 5, adapted from PMID: 32720330) for primary open angle glaucoma based on the ACMG/AMP criteria met, as specified by the ClinGen Glaucoma VCEP (v2.0.0, 5 Dec 2024): PS4_Supporting, PM2_Supporting, BP4, BP7